The following is an entry in ClinVar:

ClinVar aggregate classification (germline): Pathogenic/Likely pathogenic. Review status: criteria provided, multiple submitters, no conflicts (2 of 4 stars). 10 submissions from 10 submitters: Pathogenic (7); Likely pathogenic (2). 1 of the submissions does not count toward it. Last evaluated 2026-01-14.

Conditions:
Walker-Warburg congenital muscular dystrophy. Also called: Muscular dystrophy-dystroglycanopathy, type A; Walker-Warburg syndrome. Identifiers: Orphanet 899, MedGen C0265221, MONDO:0000171.
Autosomal recessive limb-girdle muscular dystrophy type 2M. Also called: MUSCULAR DYSTROPHY-DYSTROGLYCANOPATHY (LIMB-GIRDLE), TYPE C, 4; MUSCULAR DYSTROPHY, LIMB-GIRDLE, TYPE 2M. Identifiers: Orphanet 206554, MedGen C1969040, MONDO:0012699, OMIM 611588.
Muscular dystrophy-dystroglycanopathy (congenital without impaired intellectual development), type B, 4. Also called: MUSCULAR DYSTROPHY, CONGENITAL, FKTN-RELATED; Muscular dystrophy-dystroglycanopathy (congenital without intellectual disability), type B4. Identifiers: MedGen C2751052, MONDO:0013156, OMIM 613152.
Dilated cardiomyopathy 1X (CMD1X). Also called: FKTN-Related Dilated Cardiomyopathy; CARDIOMYOPATHY, DILATED, WITH MILD OR NO PROXIMAL MUSCLE WEAKNESS. Identifiers: Orphanet 154, MedGen C1969024, MONDO:0012704, OMIM 611615.
Muscular dystrophy-dystroglycanopathy (congenital with brain and eye anomalies), type A1 (MDDGA1). Also called: WALKER-WARBURG SYNDROME OR MUSCLE-EYE-BRAIN DISEASE, POMT1-RELATED; Hydrocephalus, agyria and retinal dysplasia; Hard +/- E syndrome; Warburg syndrome; Chemke syndrome; Pagon syndrome. Identifiers: Orphanet 588, Orphanet 899, MedGen C4284790, MONDO:0009364, OMIM 236670.
Muscular dystrophy-dystroglycanopathy (congenital with brain and eye anomalies), type A, 4 (MDDGA4). Also called: Congenital muscular dystrophy-dystroglycanopathy with brain and eye anomalies, type A4; Muscular dystrophy, congenital progressive, with mental retardation; Muscular dystrophy, congenital, with central nervous system involvement; Cerebromuscular dystrophy, Fukuyama type; Walker-Warburg Syndrome, Fktn-Related; WALKER-WARBURG SYNDROME OR MUSCLE-EYE-BRAIN DISEASE, FKTN-RELATED. Identifiers: Orphanet 272, Orphanet 588, Orphanet 899, MedGen C0410174, MONDO:0009678, OMIM 253800.

Allele frequency attached by ClinVar (database versions not stated): gnomAD below 0.00001 and 0.00003; 1000 Genomes Project 30x 0.00016; 1000 Genomes Project 0.00020.
gnomAD v4.1: 24 of 1,612,740 alleles (0.0015%); highest among the groups gnomAD compares: South Asian, 0.025%; no homozygotes.

Submissions (10):

Labcorp Genetics (formerly Invitae), Labcorp
Classification: Pathogenic for Walker-Warburg congenital muscular dystrophy. Last evaluated: 2026-01-14. Review status: criteria provided, single submitter. Criteria: Invitae Variant Classification Sherloc (09022015). Collection method: clinical testing. Allele origin: germline.
Comment: This sequence change creates a premature translational stop signal (p.Cys137*) in the FKTN gene. It is expected to result in an absent or disrupted protein product. Loss-of-function variants in FKTN are known to be pathogenic (PMID: 17044012, 17878207, 18752264). This variant is present in population databases (rs537001725, gnomAD 0.02%). This premature translational stop signal has been observed in individual(s) with clinical features FKTN-related disease (PMID: 27124789, 28688748). ClinVar contains an entry for this variant (Variation ID: 167069). For these reasons, this variant has been classified as Pathogenic.

Natera, Inc.
Classification: Pathogenic for Walker-Warburg congenital muscular dystrophy. Last evaluated: 2025-11-28. Review status: criteria provided, single submitter. Criteria: Natera Variant Classification Schema (03/2026). Collection method: clinical testing. Allele origin: germline.
Comment: The c.411C>A variant in FKTN is a nonsense variant predicted to introduce a stop codon at amino acid 137. This variant is expected to result in nonsense mediated decay, truncation, or a dysfunctional protein product. This variant is rare in the general population with a frequency below the threshold expected for the associated phenotype(s). This variant has been observed in one or more individuals affected with the associated recessive disease, as either homozygous or compound heterozygous with a second variant (PMID: 28688748, 4645488). Given the available evidence, this variant is classified as Pathogenic.

Baylor Genetics
Classification: Pathogenic for Dilated cardiomyopathy 1X. Last evaluated: 2023-11-20. Review status: criteria provided, single submitter. Criteria: ACMG Guidelines, 2015. Collection method: clinical testing. Allele origin: unknown.

GeneDx
Classification: Pathogenic. Last evaluated: 2022-08-10. Review status: criteria provided, single submitter. Criteria: GeneDx Variant Classification Process June 2021. Collection method: clinical testing. Allele origin: germline. Affected: yes.
Comment: Nonsense variant predicted to result in protein truncation or nonsense mediated decay in a gene for which loss of function is a known mechanism of disease; This variant is associated with the following publications: (PMID: 32906206, 27124789, 31641664, 28556411, 28688748)

Fulgent Genetics
Classification: Pathogenic for Muscular dystrophy-dystroglycanopathy (congenital with brain and eye anomalies), type A1; Muscular dystrophy-dystroglycanopathy (congenital with brain and eye anomalies), type A, 4; Autosomal recessive limb-girdle muscular dystrophy type 2M; Dilated cardiomyopathy 1X; Muscular dystrophy-dystroglycanopathy (congenital without impaired intellectual development), type B, 4. Last evaluated: 2022-02-04. Review status: criteria provided, single submitter. Criteria: ACMG Guidelines, 2015. Collection method: clinical testing. Allele origin: unknown.

Revvity Omics, Revvity
Classification: Pathogenic. Last evaluated: 2020-11-13. Review status: criteria provided, single submitter. Criteria: ACMG Guidelines, 2015. Collection method: clinical testing. Allele origin: germline.

Athena Diagnostics
Classification: Likely pathogenic. Last evaluated: 2018-03-14. Review status: criteria provided, single submitter. Criteria: Athena Diagnostics Criteria. Collection method: clinical testing. Allele origin: germline.

Eurofins Ntd Llc (ga)
Classification: Pathogenic. Last evaluated: 2014-03-06. Review status: criteria provided, single submitter. Criteria: EGL Classification Definitions. Collection method: clinical testing. Allele origin: germline. Observed: 1 variant allele, 1 heterozygote.

Genomic Medicine Center of Excellence, King Faisal Specialist Hospital and Research Centre
Classification: Likely pathogenic. Review status: criteria provided, single submitter. Criteria: ACMG Guidelines, 2015. Collection method: research. Allele origin: germline. Affected: yes.

Counsyl
Classification: Likely pathogenic for Muscular dystrophy-dystroglycanopathy (congenital with brain and eye anomalies), type A, 4. Last evaluated: 2014-07-31. Review status: no assertion criteria provided. Collection method: clinical testing. Allele origin: unknown. Not counted in ClinVar's aggregate classification.

Literature cited by the submitters: PubMed 17044012 (cited by Labcorp Genetics (formerly Invitae), Labcorp); PubMed 17878207 (cited by Labcorp Genetics (formerly Invitae), Labcorp); PubMed 18752264 (cited by Labcorp Genetics (formerly Invitae), Labcorp); PubMed 27124789 (cited by Labcorp Genetics (formerly Invitae), Labcorp); PubMed 28688748 (cited by 3 submitters); PubMed 4645488 (cited by Natera, Inc.).

NM_001079802.2(FKTN):c.411C>A (p.Cys137Ter)

Gene: FKTN (fukutin; plus strand). Cytogenetic location: 9q31.2.
Variant type: single nucleotide variant.
Coding change: c.411C>A on transcript NM_001079802.2 (MANE Select); coding-DNA position 411, C replaced by A.
Protein change: p.Cys137Ter; replaces cysteine 137 with a stop codon.
Molecular consequence: nonsense. On other transcripts: non-coding transcript variant (2).
Genome position (GRCh38, 1-based): chr9:105,604,256, C>A. VCF-style: chr9-105604256-C-A. GRCh37 (hg19) VCF-style: chr9-108366537-C-A.
Other names: c.411C>A, p.Cys137Ter (NM_001198963.2, NM_001351496.2, NM_001351498.2 and 1 more transcripts); c.342C>A, p.Cys114Ter (NM_001351497.2); c.15C>A, p.Cys5Ter (NM_001351499.2, NM_001351500.2, NM_001351501.2 and 1 more transcripts); short protein forms C137*, C5*, C114*.
Identifiers: ClinVar variation 167069 (VCV000167069.26), dbSNP rs537001725, ClinGen allele CA233995.
Genomic context (GRCh38, chr9:105,604,256, plus strand): 5'-GATGCTTCTTTGGTTCTAGGAAGGCTGGTTTCGGATAGCTGAGAATATGGGATTTCAGTG[C>A]CTAAAGATTGAGAGTAAAGATCCCCGGCTAGACGGGATAGACTCACTCTCTGGAACTGAA-3'